The following is an entry in ClinVar:

ClinVar aggregate classification (germline): Benign/Likely benign. Review status: criteria provided, multiple submitters, no conflicts (2 of 4 stars). 9 submissions from 9 submitters: Benign (7); Likely benign (1). 1 of the submissions does not count toward it. Last evaluated 2026-02-04.

Conditions:
Xeroderma pigmentosum, group G (XPG). Also called: Xeroderma pigmentosum type 7; XERODERMA PIGMENTOSUM VII; XP, GROUP G; ERCC5-Related Xeroderma Pigmentosum. Identifiers: MedGen C0268141, MONDO:0010216, OMIM 278780.

Allele frequency attached by ClinVar (database versions not stated): 1000 Genomes Project 0.49301; 1000 Genomes Project 30x 0.49938; gnomAD exomes 0.51972 and 0.57441; ExAC 0.52910; TOPMed 0.56905; gnomAD 0.58386 and 0.59353; ESP Exome Variant Server 0.61179.
gnomAD v4.1: 927,804 of 1,613,696 alleles (57%); highest among the groups gnomAD compares: African/African-American, 67%; 273,288 homozygotes.

Submissions (9):

Labcorp Genetics (formerly Invitae), Labcorp
Classification: Benign. Last evaluated: 2026-02-04. Review status: criteria provided, single submitter. Criteria: Invitae Variant Classification Sherloc (09022015). Collection method: clinical testing. Allele origin: germline.

KCCC/NGS Laboratory, Kuwait Cancer Control Center
Classification: Benign for Xeroderma pigmentosum, group G. Last evaluated: 2025-02-01. Review status: criteria provided, single submitter. Criteria: ACMG Guidelines, 2015. Collection method: clinical testing. Allele origin: germline. Affected: no.

Blueprint Genetics
Classification: Likely benign. Last evaluated: 2024-11-27. Review status: criteria provided, single submitter. Criteria: ACMG Guidelines, 2015. Collection method: clinical testing. Allele origin: germline.

GeneDx
Classification: Benign. Last evaluated: 2018-11-10. Review status: criteria provided, single submitter. Criteria: GeneDx Variant Classification Process June 2021. Collection method: clinical testing. Allele origin: germline. Affected: yes.

Illumina Laboratory Services, Illumina
Classification: Benign for Xeroderma pigmentosum, group G. Last evaluated: 2018-01-13. Review status: criteria provided, single submitter. Criteria: ICSL Variant Classification Criteria 13 December 2019. Collection method: clinical testing. Allele origin: germline.
Comment: This variant was observed in the ICSL laboratory as part of a predisposition screen in an ostensibly healthy population. It had not been previously curated by ICSL or reported in the Human Gene Mutation Database (HGMD: prior to June 1st, 2018), and was therefore a candidate for classification through an automated scoring system. Utilizing variant allele frequency, disease prevalence and penetrance estimates, and inheritance mode, an automated score was calculated to assess if this variant is too frequent to cause the disease. Based on the score and internal cut-off values, a variant classified as benign is not then subjected to further curation. The score for this variant resulted in a classification of benign for this disease.

Clinical Genetics DNA and cytogenetics Diagnostics Lab, Erasmus MC, Erasmus Medical Center
Classification: Benign for Xeroderma pigmentosum, group G. Last evaluated: 2015-09-21. Review status: criteria provided, single submitter. Criteria: ACGS Guidelines, 2013. Collection method: clinical testing. Allele origin: germline. Affected: yes. Study: VKGL Data-share Consensus.

Breakthrough Genomics
Classification: Benign. Review status: criteria provided, single submitter. Criteria: ACMG Guidelines, 2015. Collection method: not provided. Allele origin: germline. Inheritance: Autosomal recessive inheritance. Affected: yes.

PreventionGenetics, part of Exact Sciences
Classification: Benign. Review status: criteria provided, single submitter. Criteria: ACMG Guidelines, 2015. Collection method: clinical testing. Allele origin: germline.

Genetic Services Laboratory, University of Chicago
Classification: Likely benign for AllHighlyPenetrant. Review status: no assertion criteria provided. Collection method: clinical testing. Allele origin: germline. Inheritance: Autosomal recessive inheritance. Not counted in ClinVar's aggregate classification.
Comment: Likely benign based on allele frequency in 1000 Genomes Project or ESP global frequency and its presence in a patient with a rare or unrelated disease phenotype. NOT Sanger confirmed.

NM_000123.4(ERCC5):c.138T>C (p.His46=)

Genes: BIVM-ERCC5 (BIVM-ERCC5 readthrough; plus strand), ERCC5 (ERCC excision repair 5, endonuclease; plus strand). Cytogenetic location: 13q33.1.
Variant type: single nucleotide variant.
Coding change: c.138T>C on transcript NM_000123.4 (MANE Select); coding-DNA position 138, T replaced by C.
Protein change: p.His46=; no amino-acid change (histidine 46 retained).
Molecular consequence: synonymous variant.
Genome position (GRCh38, 1-based): chr13:102,852,167, T>C. VCF-style: chr13-102852167-T-C. GRCh37 (hg19) VCF-style: chr13-103504517-T-C.
Other names: c.1500T>C, p.His500= (NM_001204425.2); c.1500T>C (NM_001204425.1).
Identifiers: ClinVar variation 129009 (VCV000129009.25), dbSNP rs1047768, ClinGen allele CA152762.